The following is an entry in ClinVar:

NM_015909.4(NBAS):c.7048G>A (p.Val2350Met)

Gene: NBAS (NBAS subunit of NRZ tethering complex; minus strand). Cytogenetic location: 2p24.3.
Variant type: single nucleotide variant.
Coding change: c.7048G>A on transcript NM_015909.4 (MANE Select); coding-DNA position 7048, G replaced by A.
Protein change: p.Val2350Met; replaces valine 2350 with methionine.
Molecular consequence: missense variant. On other transcripts: non-coding transcript variant (1).
Genome position (GRCh38, 1-based): chr2:15,167,116, C>T on the plus strand (G>A on the coding strand, the complement: NBAS is on the minus strand). VCF-style: chr2-15167116-C-T. GRCh37 (hg19) VCF-style: chr2-15307240-C-T.
Other names: p.Val2350Met; c.7048G>A (NM_015909.2, NM_015909.3); short protein forms V2350M.
Identifiers: ClinVar variation 1447496 (VCV001447496.22), dbSNP rs138592420, ClinGen allele CA1534780.

ClinVar aggregate classification (germline): Conflicting classifications of pathogenicity. Review status: criteria provided, conflicting classifications (1 of 4 stars). 5 submissions from 5 submitters: Uncertain significance (4); Likely benign (1). Last evaluated 2026-06-23.

Conditions:
NBAS-related disorder. Also called: NBAS-related condition.
Inborn genetic diseases. Identifiers: MedGen C0950123, MeSH D030342.

Allele frequency attached by ClinVar (database versions not stated): gnomAD exomes 0.00012; ExAC 0.00013; 1000 Genomes Project 0.00020; ESP Exome Variant Server 0.00038; 1000 Genomes Project 30x 0.00047.
gnomAD v4.1: 318 of 1,613,844 alleles (0.02%); highest among the groups gnomAD compares: Non-Finnish European, 0.022%; no homozygotes.

Submissions (5):

PreventionGenetics, part of Exact Sciences
Classification: Uncertain significance for NBAS-related condition. Last evaluated: 2026-06-23. Review status: criteria provided, single submitter. Criteria: ACMG Guidelines, 2015. Collection method: clinical testing. Allele origin: germline.
Comment: The NBAS c.7048G>A variant is predicted to result in the amino acid substitution p.Val2350Met. To our knowledge, this variant has not been reported in the literature. This variant is reported in 0.020% of alleles in individuals of African descent in gnomAD. At this time, the clinical significance of this variant is uncertain due to the absence of conclusive functional and genetic evidence.

Labcorp Genetics (formerly Invitae), Labcorp
Classification: Likely benign. Last evaluated: 2026-01-20. Review status: criteria provided, single submitter. Criteria: Invitae Variant Classification Sherloc (09022015). Collection method: clinical testing. Allele origin: germline.

CeGaT Center for Human Genetics Tuebingen
Classification: Uncertain significance. Last evaluated: 2024-12-01. Review status: criteria provided, single submitter. Criteria: CeGaT Center For Human Genetics Tuebingen Variant Classification Criteria Version 2. Collection method: clinical testing. Allele origin: germline. Affected: yes. Observed: 1 variant allele.
Comment: NBAS: PM2, BP4

Mayo Clinic Laboratories, Mayo Clinic
Classification: Uncertain significance. Last evaluated: 2024-07-23. Review status: criteria provided, single submitter. Criteria: ACMG Guidelines, 2015. Collection method: clinical testing. Allele origin: germline. Observed: 1 variant allele.
Comment: BP4_moderate

Ambry Genetics
Classification: Uncertain significance for Inborn genetic diseases. Last evaluated: 2022-06-24. Review status: criteria provided, single submitter. Criteria: Ambry Variant Classification Scheme 2023. Collection method: clinical testing. Allele origin: germline.